The following is an entry in ClinVar:

ClinVar aggregate classification (germline): Pathogenic (1 of 4 stars; one submission).

Conditions:
RYR1-related disorder. Also called: RYR1-related condition; RYR1-related disorders. Identifiers: MedGen CN239331.

Submission:

Labcorp Genetics (formerly Invitae), Labcorp
Classification: Pathogenic for RYR1-related disorder. Last evaluated: 2024-11-06. Review status: criteria provided, single submitter. Criteria: Invitae Variant Classification Sherloc (09022015). Collection method: clinical testing. Allele origin: germline.
Comment: This sequence change creates a premature translational stop signal (p.Gln1901*) in the RYR1 gene. It is expected to result in an absent or disrupted protein product. Loss-of-function variants in RYR1 are known to be pathogenic (PMID: 23919265, 25960145, 28818389, 30611313). This variant is not present in population databases (gnomAD no frequency). This variant has not been reported in the literature in individuals affected with RYR1-related conditions. For these reasons, this variant has been classified as Pathogenic.

Literature cited by the submitters: PubMed 23919265; PubMed 25960145; PubMed 28818389; PubMed 30611313.

NM_000540.3(RYR1):c.5701C>T (p.Gln1901Ter)

Gene: RYR1 (ryanodine receptor 1; plus strand). Cytogenetic location: 19q13.2.
Variant type: single nucleotide variant.
Coding change: c.5701C>T on transcript NM_000540.3 (MANE Select); coding-DNA position 5701, C replaced by T.
Protein change: p.Gln1901Ter; replaces glutamine 1901 with a stop codon.
Molecular consequence: nonsense.
Genome position (GRCh38, 1-based): chr19:38,489,330, C>T. VCF-style: chr19-38489330-C-T. GRCh37 (hg19) VCF-style: chr19-38979970-C-T.
Other names: c.5701C>T, p.Gln1901Ter (NM_001042723.2); short protein forms Q1901*.
Identifiers: ClinVar variation 3723557 (VCV003723557.2).